The following is an entry in ClinVar:

NM_000256.3(MYBPC3):c.3176T>G (p.Val1059Gly)

Gene: MYBPC3 (myosin binding protein C3; minus strand). Cytogenetic location: 11p11.2.
Variant type: single nucleotide variant.
Coding change: c.3176T>G on transcript NM_000256.3 (MANE Select); coding-DNA position 3176, T replaced by G.
Protein change: p.Val1059Gly; replaces valine 1059 with glycine.
Molecular consequence: missense variant.
Genome position (GRCh38, 1-based): chr11:47,333,571, A>C on the plus strand (T>G on the coding strand, the complement: MYBPC3 is on the minus strand). VCF-style: chr11-47333571-A-C. GRCh37 (hg19) VCF-style: chr11-47355122-A-C.
Other names: short protein forms V1059G.
Identifiers: ClinVar variation 3773753 (VCV003773753.1).
Genomic context (GRCh38, chr11:47,333,571, plus strand): 5'-CCAGGGAAGGGAAACAAGGGGGCTCAAGGAGGCCTTGGCCACGCACCAACAACCTGCAGC[A>C]CCAGCGTGGCCTTGTCCTCCATGTTCTCAATGCGCACCGTCACCTGGTAAGTGCCTGAAT-3'
Protein context (NP_000247.2, residues 1049-1069): IENMEDKATL[Val1059Gly]LQVVDKPSPP

ClinVar aggregate classification (germline): Uncertain significance (1 of 4 stars; one submission).

Conditions:
Hypertrophic cardiomyopathy. Also called: HYPERTROPHIC MYOCARDIOPATHY. Identifiers: Orphanet 217569, MedGen C0007194, MeSH D002312, MONDO:0005045, HP:0001639.

Submission:

Molecular Genetics, Royal Melbourne Hospital
Classification: Uncertain significance for Hypertrophic cardiomyopathy. Last evaluated: 2025-02-06. Review status: criteria provided, single submitter. Criteria: ACMG Guidelines, 2015. Collection method: clinical testing. Allele origin: germline. Inheritance: Autosomal dominant inheritance. Affected: yes.
Comment: This sequence change in MYBPC3 is predicted to replace valine with glycine at codon 1059, p.(Val1059Gly). The valine residue is moderately conserved (100 vertebrates, Multiz Alignments), and is located in the Ig-like C2-type 6 domain. There is a large physicochemical difference between valine and glycine. This variant is absent from the population database gnomAD v4.1.0. To our knowledge, this variant is novel and has not been previously reported in the relevant scientific literature or databases. Computational evidence predicts a benign effect for the missense substitution (REVEL = 0.159). Based on the classification scheme RMH Modified ACMG/AMP Guidelines v1.7.1, this variant is classified as a VARIANT OF UNCERTAIN SIGNIFICANCE. Following criteria are met: PM2_Supporting, BP4.